The following is an entry in ClinVar:

ClinVar aggregate classification (germline): Likely benign (1 of 4 stars; one submission).

Submission:

CeGaT Center for Human Genetics Tuebingen
Classification: Likely benign. Last evaluated: 2022-07-01. Review status: criteria provided, single submitter. Criteria: CeGaT Center For Human Genetics Tuebingen Variant Classification Criteria Version 2. Collection method: clinical testing. Allele origin: germline. Affected: yes. Observed: 1 variant allele.
Comment: MUC4: PM2:Supporting, BP4, BP7

NM_018406.7(MUC4):c.10707T>G (p.Leu3569=)

Gene: MUC4 (mucin 4, cell surface associated). Cytogenetic location: 3q29.
Variant type: single nucleotide variant.
Coding change: c.10707T>G on transcript NM_018406.7 (MANE Select); coding-DNA position 10707, T replaced by G.
Protein change: p.Leu3569=; no amino-acid change (leucine 3569 retained).
Molecular consequence: synonymous variant. On other transcripts: genic upstream transcript variant (2).
Genome position (GRCh38, 1-based): chr3:195,780,873, A>C on the plus strand (T>G on the coding strand, the complement: MUC4 is on the minus strand). VCF-style: chr3-195780873-A-C. GRCh37 (hg19) VCF-style: chr3-195507744-A-C.
Other names: c.15477T>G, p.Leu5159= (NM_001322468.1); c.83-6568T>G (NM_138297.5); c.83-2418T>G (NM_004532.6).
Identifiers: ClinVar variation 2654416 (VCV002654416.24), dbSNP rs1322253143, ClinGen allele CA438037341.